The following is an entry in ClinVar:

NM_020163.3(SEMA3G):c.78C>T (p.Pro26=)

Gene: SEMA3G (semaphorin 3G; minus strand). Cytogenetic location: 3p21.1.
Variant type: single nucleotide variant.
Coding change: c.78C>T on transcript NM_020163.3 (MANE Select); coding-DNA position 78, C replaced by T.
Protein change: p.Pro26=; no amino-acid change (proline 26 retained).
Molecular consequence: synonymous variant.
Genome position (GRCh38, 1-based): chr3:52,444,950, G>A on the plus strand (C>T on the coding strand, the complement: SEMA3G is on the minus strand). VCF-style: chr3-52444950-G-A. GRCh37 (hg19) VCF-style: chr3-52478966-G-A.
Identifiers: ClinVar variation 3353420 (VCV003353420.1).

ClinVar aggregate classification (germline): Likely benign (0 of 4 stars; one submission).

Conditions:
SEMA3G-related disorder. Also called: SEMA3G-related condition.

gnomAD v4.1: 13 of 1,301,458 alleles (0.001%); highest among the groups gnomAD compares: East Asian, 0.019%; no homozygotes.

Submission:

PreventionGenetics, part of Exact Sciences
Classification: Likely benign for SEMA3G-related condition. Last evaluated: 2022-12-02. Review status: no assertion criteria provided. Collection method: clinical testing. Allele origin: germline.
Comment: This variant is classified as likely benign based on ACMG/AMP sequence variant interpretation guidelines (Richards et al. 2015 PMID: 25741868, with internal and published modifications).